The following is an entry in ClinVar:

ClinVar aggregate classification (germline): Likely pathogenic. Review status: criteria provided, multiple submitters, no conflicts (2 of 4 stars). 2 submissions from 2 submitters: Likely pathogenic (2). Last evaluated 2023-05-08.

Conditions:
NF1-related disorder. Also called: NF1-related condition. Identifiers: MedGen CN379171.
Neurofibromatosis, type 1 (NF1). Also called: VON RECKLINGHAUSEN DISEASE; NEUROFIBROMATOSIS, TYPE I, SOMATIC; Peripheral type neurofibromatosis; Neurofibromatosis, type I. Identifiers: Orphanet 636, MedGen C0027831, MONDO:0018975, OMIM 162200. Disease mechanism: loss of function.

Submissions (2):

PreventionGenetics, part of Exact Sciences
Classification: Likely pathogenic for NF1-related condition. Last evaluated: 2023-05-08. Review status: criteria provided, single submitter. Criteria: ACMG Guidelines, 2015. Collection method: clinical testing. Allele origin: germline.
Comment: The NF1 c.3870+2T>A variant is predicted to disrupt the GT donor site and interfere with normal splicing. To our knowledge, this variant has not been reported in the literature or in a large population database, indicating this variant is rare. Variants that disrupt the consensus splice donor site in NF1 are expected to be pathogenic. This variant is interpreted as likely pathogenic.

Institute of Immunology and Genetics Kaiserslautern
Classification: Likely pathogenic for Neurofibromatosis, type 1. Last evaluated: 2023-03-10. Review status: criteria provided, single submitter. Criteria: ACMG Guidelines, 2015. Collection method: clinical testing. Allele origin: germline. Affected: yes.
Comment: ACMG Criteria: PVS1, PM2; Variant was found in heterozygous state.

NM_001042492.3(NF1):c.3870+2T>A

Gene: NF1 (neurofibromin 1; plus strand). Cytogenetic location: 17q11.2.
Variant type: single nucleotide variant.
Coding change: c.3870+2T>A on transcript NM_001042492.3 (MANE Select); the canonical splice donor site of the intron after coding-DNA position 3870, T replaced by A.
Molecular consequence: splice donor variant.
Genome position (GRCh38, 1-based): chr17:31,235,774, T>A. VCF-style: chr17-31235774-T-A. GRCh37 (hg19) VCF-style: chr17-29562792-T-A.
Other names: c.3870+2T>A (NM_000267.4).
Identifiers: ClinVar variation 2632795 (VCV002632795.2), dbSNP rs2151438081, ClinGen allele CA398992945.